The following is an entry in ClinVar:

NM_004385.5(VCAN):c.1440T>G (p.Asp480Glu)

Gene: VCAN (versican; plus strand). Cytogenetic location: 5q14.3.
Variant type: single nucleotide variant.
Coding change: c.1440T>G on transcript NM_004385.5 (MANE Select); coding-DNA position 1440, T replaced by G.
Protein change: p.Asp480Glu; replaces aspartic acid 480 with glutamic acid.
Molecular consequence: missense variant. On other transcripts: intron variant (2).
Genome position (GRCh38, 1-based): chr5:83,519,746, T>G. VCF-style: chr5-83519746-T-G. GRCh37 (hg19) VCF-style: chr5-82815565-T-G.
Other names: c.1440T>G, p.Asp480Glu (NM_001164098.2); c.1042+7350T>G (NM_001164097.2, NM_001126336.3); short protein forms D480E.
Identifiers: ClinVar variation 1491812 (VCV001491812.6), dbSNP rs2112407212, ClinGen allele CA360300262.

ClinVar aggregate classification (germline): Uncertain significance (1 of 4 stars; one submission).

Submission:

Labcorp Genetics (formerly Invitae), Labcorp
Classification: Uncertain significance. Last evaluated: 2025-02-03. Review status: criteria provided, single submitter. Criteria: Invitae Variant Classification Sherloc (09022015). Collection method: clinical testing. Allele origin: germline.
Comment: This sequence change replaces aspartic acid, which is acidic and polar, with glutamic acid, which is acidic and polar, at codon 480 of the VCAN protein (p.Asp480Glu). This variant is not present in population databases (gnomAD no frequency). This variant has not been reported in the literature in individuals affected with VCAN-related conditions. ClinVar contains an entry for this variant (Variation ID: 1491812). An algorithm developed to predict the effect of missense changes on protein structure and function outputs the following: PolyPhen-2: "Benign". The glutamic acid amino acid residue is found in multiple mammalian species, which suggests that this missense change does not adversely affect protein function. In summary, the available evidence is currently insufficient to determine the role of this variant in disease. Therefore, it has been classified as a Variant of Uncertain Significance.